The following is an entry in ClinVar:

NM_001378964.1(CDON):c.2074G>A (p.Gly692Ser)

Gene: CDON (cell adhesion associated, oncogene regulated; minus strand). Cytogenetic location: 11q24.2.
Variant type: single nucleotide variant.
Coding change: c.2074G>A on transcript NM_001378964.1 (MANE Select); coding-DNA position 2074, G replaced by A.
Protein change: p.Gly692Ser; replaces glycine 692 with serine.
Molecular consequence: missense variant.
Genome position (GRCh38, 1-based): chr11:126,001,803, C>T on the plus strand (G>A on the coding strand, the complement: CDON is on the minus strand). VCF-style: chr11-126001803-C-T. GRCh37 (hg19) VCF-style: chr11-125871698-C-T.
Other names: c.2074G>A, p.Gly692Ser (NM_016952.6, NM_001243597.3); short protein forms G692S.
Identifiers: ClinVar variation 2886833 (VCV002886833.4), dbSNP rs986863818, ClinGen allele CA230536580.

ClinVar aggregate classification (germline): Uncertain significance. Review status: criteria provided, multiple submitters, no conflicts (2 of 4 stars). 2 submissions from 2 submitters: Uncertain significance (2). Last evaluated 2024-11-14.

Conditions:
Inborn genetic diseases. Identifiers: MedGen C0950123, MeSH D030342.
Holoprosencephaly 11 (HPE11). Identifiers: Orphanet 2162, MedGen C3280215, MONDO:0013642, OMIM 614226.

Allele frequency attached by ClinVar (database versions not stated): gnomAD 0.00001; gnomAD exomes 0.00001; TOPMed 0.00002.
gnomAD v4.1: 18 of 1,611,312 alleles (0.0011%); highest among the groups gnomAD compares: East Asian, 0.029%; no homozygotes.

Submissions (2):

Ambry Genetics
Classification: Uncertain significance for Inborn genetic diseases. Last evaluated: 2024-11-14. Review status: criteria provided, single submitter. Criteria: Ambry Variant Classification Scheme 2023. Collection method: clinical testing. Allele origin: germline.

Labcorp Genetics (formerly Invitae), Labcorp
Classification: Uncertain significance for Holoprosencephaly 11. Last evaluated: 2024-02-05. Review status: criteria provided, single submitter. Criteria: Invitae Variant Classification Sherloc (09022015). Collection method: clinical testing. Allele origin: germline.
Comment: This sequence change replaces glycine, which is neutral and non-polar, with serine, which is neutral and polar, at codon 692 of the CDON protein (p.Gly692Ser). This variant is present in population databases (no rsID available, gnomAD 0.02%). This variant has not been reported in the literature in individuals affected with CDON-related conditions. Advanced modeling of protein sequence and biophysical properties (such as structural, functional, and spatial information, amino acid conservation, physicochemical variation, residue mobility, and thermodynamic stability) performed at Invitae indicates that this missense variant is not expected to disrupt CDON protein function with a negative predictive value of 80%. In summary, the available evidence is currently insufficient to determine the role of this variant in disease. Therefore, it has been classified as a Variant of Uncertain Significance.